The following is an entry in ClinVar:

ClinVar aggregate classification (germline): Benign. Review status: criteria provided, multiple submitters, no conflicts (2 of 4 stars). 6 submissions from 6 submitters: Benign (4). 2 of the submissions do not count toward it. Last evaluated 2026-02-01.

Conditions:
ZFP57-related disorder. Also called: ZFP57-related condition.
Diabetes mellitus, transient neonatal, 1 (TNDM1). Also called: Diabetes Mellitus, 6q24-Related Transient Neonatal. Identifiers: Orphanet 99886, MedGen C1832386, MONDO:0011073, OMIM 601410.

Allele frequency attached by ClinVar (database versions not stated): 1000 Genomes Project 30x 0.02280; 1000 Genomes Project 0.02356; TOPMed 0.02770; ESP Exome Variant Server 0.03288; gnomAD 0.04190 and 0.04274; gnomAD exomes 0.04387 and 0.05006; ExAC 0.05070.
gnomAD v4.1: 70,159 of 1,612,942 alleles (4.3%); highest among the groups gnomAD compares: Middle Eastern, 6.1%; 2,320 homozygotes.

Submissions (6):

Labcorp Genetics (formerly Invitae), Labcorp
Classification: Benign. Last evaluated: 2026-02-01. Review status: criteria provided, single submitter. Criteria: Invitae Variant Classification Sherloc (09022015). Collection method: clinical testing. Allele origin: germline.

Blueprint Genetics
Classification: Benign. Last evaluated: 2024-11-26. Review status: criteria provided, single submitter. Criteria: ACMG Guidelines, 2015. Collection method: clinical testing. Allele origin: germline.

GeneDx
Classification: Benign. Last evaluated: 2021-05-05. Review status: criteria provided, single submitter. Criteria: GeneDx Variant Classification Process June 2021. Collection method: clinical testing. Allele origin: germline. Affected: yes.

Illumina Laboratory Services, Illumina
Classification: Benign for Diabetes mellitus, transient neonatal, 1. Last evaluated: 2018-01-13. Review status: criteria provided, single submitter. Criteria: ICSL Variant Classification Criteria 13 December 2019. Collection method: clinical testing. Allele origin: germline.
Comment: This variant was observed in the ICSL laboratory as part of a predisposition screen in an ostensibly healthy population. It had not been previously curated by ICSL or reported in the Human Gene Mutation Database (HGMD: prior to June 1st, 2018), and was therefore a candidate for classification through an automated scoring system. Utilizing variant allele frequency, disease prevalence and penetrance estimates, and inheritance mode, an automated score was calculated to assess if this variant is too frequent to cause the disease. Based on the score and internal cut-off values, a variant classified as benign is not then subjected to further curation. The score for this variant resulted in a classification of benign for this disease.

PreventionGenetics, part of Exact Sciences
Classification: Benign for ZFP57-related condition. Last evaluated: 2019-10-31. Review status: no assertion criteria provided. Collection method: clinical testing. Allele origin: germline. Not counted in ClinVar's aggregate classification.
Comment: This variant is classified as benign based on ACMG/AMP sequence variant interpretation guidelines (Richards et al. 2015 PMID: 25741868, with internal and published modifications).

Genetic Services Laboratory, University of Chicago
Classification: Likely benign for AllHighlyPenetrant. Review status: no assertion criteria provided. Collection method: clinical testing. Allele origin: germline. Inheritance: Autosomal recessive inheritance. Not counted in ClinVar's aggregate classification.
Comment: Likely benign based on allele frequency in 1000 Genomes Project or ESP global frequency and its presence in a patient with a rare or unrelated disease phenotype. NOT Sanger confirmed.

NM_001109809.5(ZFP57):c.559C>T (p.Arg187Cys)

Gene: ZFP57 (ZFP57 zinc finger protein; minus strand). Cytogenetic location: 6p22.1.
Variant type: single nucleotide variant.
Coding change: c.559C>T on transcript NM_001109809.5 (MANE Select); coding-DNA position 559, C replaced by T.
Protein change: p.Arg187Cys; replaces arginine 187 with cysteine.
Molecular consequence: missense variant.
Genome position (GRCh38, 1-based): chr6:29,673,552, G>A on the plus strand (C>T on the coding strand, the complement: ZFP57 is on the minus strand). VCF-style: chr6-29673552-G-A. GRCh37 (hg19) VCF-style: chr6-29641329-G-A.
Other names: c.343C>T, p.Arg115Cys (NM_001366333.2); short protein forms R187C, R115C.
Identifiers: ClinVar variation 130775 (VCV000130775.22), dbSNP rs61730330, ClinGen allele CA156047.